The following is an entry in ClinVar:

ClinVar aggregate classification (germline): Uncertain significance (1 of 4 stars; one submission).

Conditions:
Autosomal dominant nocturnal frontal lobe epilepsy 5. Also called: Epilepsy, nocturnal frontal lobe, 5; KCNT1-Related Epilepsy; CILIARY DYSKINESIA, PRIMARY, 28, WITHOUT SITUS INVERSUS; CILIARY DYSKINESIA, PRIMARY, 28, WITH SITUS INVERSUS. Identifiers: Orphanet 98784, MedGen C3554306, MONDO:0014002, OMIM 615005.
Developmental and epileptic encephalopathy, 14 (DEE14). Also called: Early infantile epileptic encephalopathy 14. Identifiers: Orphanet 293181, MedGen C3554195, MONDO:0013989, OMIM 614959.

Submission:

Labcorp Genetics (formerly Invitae), Labcorp
Classification: Uncertain significance for Autosomal dominant nocturnal frontal lobe epilepsy 5; Developmental and epileptic encephalopathy, 14. Last evaluated: 2024-04-15. Review status: criteria provided, single submitter. Criteria: Invitae Variant Classification Sherloc (09022015). Collection method: clinical testing. Allele origin: germline.
Comment: This sequence change replaces arginine, which is basic and polar, with glycine, which is neutral and non-polar, at codon 38 of the KCNT1 protein (p.Arg38Gly). This variant is not present in population databases (gnomAD no frequency). This variant has not been reported in the literature in individuals affected with KCNT1-related conditions. ClinVar contains an entry for this variant (Variation ID: 665465). An algorithm developed to predict the effect of missense changes on protein structure and function (PolyPhen-2) suggests that this variant is likely to be tolerated. In summary, the available evidence is currently insufficient to determine the role of this variant in disease. Therefore, it has been classified as a Variant of Uncertain Significance.

NM_020822.3(KCNT1):c.112C>G (p.Arg38Gly)

Gene: KCNT1 (potassium sodium-activated channel subfamily T member 1; plus strand). Cytogenetic location: 9q34.3.
Variant type: single nucleotide variant.
Coding change: c.112C>G on transcript NM_020822.3 (MANE Select); coding-DNA position 112, C replaced by G.
Protein change: p.Arg38Gly; replaces arginine 38 with glycine.
Molecular consequence: missense variant. On other transcripts: intron variant (1).
Genome position (GRCh38, 1-based): chr9:135,714,578, C>G. VCF-style: chr9-135714578-C-G. GRCh37 (hg19) VCF-style: chr9-138606424-C-G.
Other names: c.110+12210C>G (NM_001272003.2); short protein forms R38G.
Identifiers: ClinVar variation 665465 (VCV000665465.9), dbSNP rs1588255201, ClinGen allele CA375493185.